The following is an entry in ClinVar:

NM_006445.4(PRPF8):c.6189G>T (p.Glu2063Asp)

Gene: PRPF8 (pre-mRNA processing factor 8; minus strand). Cytogenetic location: 17p13.3.
Variant type: single nucleotide variant.
Coding change: c.6189G>T on transcript NM_006445.4 (MANE Select); coding-DNA position 6189, G replaced by T.
Protein change: p.Glu2063Asp; replaces glutamic acid 2063 with aspartic acid.
Molecular consequence: missense variant.
Genome position (GRCh38, 1-based): chr17:1,653,815, C>A on the plus strand (G>T on the coding strand, the complement: PRPF8 is on the minus strand). VCF-style: chr17-1653815-C-A. GRCh37 (hg19) VCF-style: chr17-1557109-C-A.
Other names: short protein forms E2063D.
Identifiers: ClinVar variation 1058622 (VCV001058622.5), dbSNP rs2151111316, ClinGen allele CA397567071.

ClinVar aggregate classification (germline): Uncertain significance (1 of 4 stars; one submission).

Submission:

Labcorp Genetics (formerly Invitae), Labcorp
Classification: Uncertain significance. Last evaluated: 2020-03-19. Review status: criteria provided, single submitter. Criteria: Invitae Variant Classification Sherloc (09022015). Collection method: clinical testing. Allele origin: germline.
Comment: This sequence change replaces glutamic acid with aspartic acid at codon 2063 of the PRPF8 protein (p.Glu2063Asp). The glutamic acid residue is highly conserved and there is a small physicochemical difference between glutamic acid and aspartic acid. This variant is not present in population databases (ExAC no frequency). This variant has not been reported in the literature in individuals with PRPF8-related conditions. Algorithms developed to predict the effect of missense changes on protein structure and function are either unavailable or do not agree on the potential impact of this missense change (SIFT: "Deleterious"; PolyPhen-2: "Possibly Damaging"; Align-GVGD: "Class C0"). In summary, the available evidence is currently insufficient to determine the role of this variant in disease. Therefore, it has been classified as a Variant of Uncertain Significance.